The following is an entry in ClinVar:

ClinVar aggregate classification (germline): Uncertain significance (1 of 4 stars; one submission).

Conditions:
Renal tubular dysgenesis of genetic origin. Also called: PRIMITIVE RENAL TUBULE SYNDROME. Identifiers: Orphanet 97369, MedGen C5681536, MONDO:0009970, OMIM 267430.

gnomAD v4.1: 13 of 1,613,954 alleles (0.00081%); highest among the groups gnomAD compares: Admixed American, 0.005%; no homozygotes.

Submission:

3billion
Classification: Uncertain significance for Renal tubular dysgenesis of genetic origin. Last evaluated: 2024-07-11. Review status: criteria provided, single submitter. Criteria: ACMG Guidelines, 2015. Collection method: clinical testing. Allele origin: germline. Affected: yes.
Comment: The variant is observed at an extremely low frequency in the gnomAD v4.0.0 dataset (total allele frequency: <0.001%). Predicted Consequence/Location: The majority of the known disease-causing variants of this gene are variants expected to result in premature termination of the protein. In silico tool predictions suggest damaging effect of the variant on gene or gene product [REVEL: 0.78 (>=0.6, sensitivity 0.68 and specificity 0.92); 3Cnet: 0.53 (>=0.6, sensitivity 0.72 and precision 0.9)]. The same nucleotide change resulting in the same amino acid change has been previously reported to be associated with ACE-related disorder (PMID: 37432431). A different missense change at the same codon (p.Arg857His) has been reported to be associated with ACE-related disorder (PMID: 22095942). However the evidence of pathogenicity is insufficient at this time. Therefore, this variant is classified as VUS according to the recommendation of ACMG/AMP guideline.

Literature cited by the submitters: PubMed 22095942; PubMed 37432431.

NM_000789.4(ACE):c.2570G>T (p.Arg857Leu)

Gene: ACE (angiotensin I converting enzyme; plus strand). Cytogenetic location: 17q23.3.
Variant type: single nucleotide variant.
Coding change: c.2570G>T on transcript NM_000789.4 (MANE Select); coding-DNA position 2570, G replaced by T.
Protein change: p.Arg857Leu; replaces arginine 857 with leucine.
Molecular consequence: missense variant. On other transcripts: non-coding transcript variant (1), intron variant (1).
Genome position (GRCh38, 1-based): chr17:63,489,061, G>T. VCF-style: chr17-63489061-G-T. GRCh37 (hg19) VCF-style: chr17-61566422-G-T.
Other names: c.848G>T, p.Arg283Leu (NM_001178057.2, NM_152830.3); c.2003G>T, p.Arg668Leu (NM_001382700.1); c.1718G>T, p.Arg573Leu (NM_001382701.1); c.379+270G>T (NM_001382702.1); short protein forms R283L, R573L, R668L, R857L.
Identifiers: ClinVar variation 4293050 (VCV004293050.1).